The following is an entry in ClinVar:

ClinVar aggregate classification (germline): Uncertain significance (1 of 4 stars; one submission).

Submission:

GeneDx
Classification: Uncertain significance. Last evaluated: 2019-03-21. Review status: criteria provided, single submitter. Criteria: GeneDx Variant Classification Process June 2021. Collection method: clinical testing. Allele origin: germline. Affected: yes.
Comment: Not observed in large population cohorts (Lek et al., 2016)

NM_001267550.2(TTN):c.49648+3A>C

Genes: TTN (titin; minus strand), TTN-AS1 (TTN antisense RNA 1; plus strand). Cytogenetic location: 2q31.2.
Variant type: single nucleotide variant.
Coding change: c.49648+3A>C on transcript NM_001267550.2 (MANE Select); 3 bases into the intron after coding-DNA position 49648, A replaced by C.
Molecular consequence: intron variant.
Genome position (GRCh38, 1-based): chr2:178,613,158, T>G on the plus strand (A>C on the coding strand, the complement: TTN is on the minus strand). VCF-style: chr2-178613158-T-G. GRCh37 (hg19) VCF-style: chr2-179477885-T-G.
Other names: c.22453+3A>C (NM_003319.4); c.23029+3A>C (NM_133437.4); c.22828+3A>C (NM_133432.3); c.41944+3A>C (NM_133378.4); c.44725+3A>C (NM_001256850.1).
Identifiers: ClinVar variation 1304885 (VCV001304885.2), dbSNP rs2154200884, ClinGen allele CA2573051785.